The following is an entry in ClinVar:

NM_001042492.3(NF1):c.1299T>G (p.Tyr433Ter)

Gene: NF1 (neurofibromin 1; plus strand). Cytogenetic location: 17q11.2.
Variant type: single nucleotide variant.
Coding change: c.1299T>G on transcript NM_001042492.3 (MANE Select); coding-DNA position 1299, T replaced by G.
Protein change: p.Tyr433Ter; replaces tyrosine 433 with a stop codon.
Molecular consequence: nonsense.
Genome position (GRCh38, 1-based): chr17:31,206,278, T>G. VCF-style: chr17-31206278-T-G. GRCh37 (hg19) VCF-style: chr17-29533296-T-G.
Other names: c.1299T>G, p.Tyr433Ter (NM_000267.4, NM_001128147.3); short protein forms Y433*.
Identifiers: ClinVar variation 404617 (VCV000404617.6), dbSNP rs876660099, ClinGen allele CA16615569.

ClinVar aggregate classification (germline): Pathogenic. Review status: criteria provided, multiple submitters, no conflicts (2 of 4 stars). 3 submissions from 3 submitters: Pathogenic (3). Last evaluated 2026-01-25.

Conditions:
Neurofibromatosis, type 1 (NF1). Also called: Neurofibromatosis, type I; NEUROFIBROMATOSIS, TYPE I, SOMATIC; Peripheral type neurofibromatosis; VON RECKLINGHAUSEN DISEASE. Identifiers: Orphanet 636, MedGen C0027831, MONDO:0018975, OMIM 162200. Disease mechanism: loss of function.

Submissions (3):

Labcorp Genetics (formerly Invitae), Labcorp
Classification: Pathogenic for Neurofibromatosis, type 1. Last evaluated: 2026-01-25. Review status: criteria provided, single submitter. Criteria: Invitae Variant Classification Sherloc (09022015). Collection method: clinical testing. Allele origin: germline.
Comment: This sequence change creates a premature translational stop signal (p.Tyr433*) in the NF1 gene. It is expected to result in an absent or disrupted protein product. Loss-of-function variants in NF1 are known to be pathogenic (PMID: 10712197, 23913538). This variant is not present in population databases (gnomAD no frequency). This premature translational stop signal has been observed in individual(s) with neurofibromatosis type 1 (PMID: 31066482). ClinVar contains an entry for this variant (Variation ID: 404617). For these reasons, this variant has been classified as Pathogenic.

Genome-Nilou Lab
Classification: Pathogenic for Neurofibromatosis, type 1. Last evaluated: 2022-03-15. Review status: criteria provided, single submitter. Criteria: ACMG Guidelines, 2015. Collection method: clinical testing. Allele origin: germline. Affected: no.

GeneDx
Classification: Pathogenic. Last evaluated: 2018-10-25. Review status: criteria provided, single submitter. Criteria: GeneDx Variant Classification (06012015). Collection method: clinical testing. Allele origin: germline. Affected: yes.
Comment: The Y433X nonsense variant in the NF1 gene is predicted to cause loss of normal protein function either through protein truncation or nonsense-mediated mRNA decay. The Y433X variant is not observed in large population cohorts (Lek et al., 2016). The c.1299T>G variant has not been previously reported to our knowledge, however, c.1299T>A, resulting in the same protein effect (Y433X), has been reported in an individual with features of neurofibromatosis type 1 (Wimmer et al., 2005). In summary, the presence of this variant is consistent with the diagnosis of neurofibromatosis type 1.

Literature cited by the submitters: PubMed 10712197 (cited by Labcorp Genetics (formerly Invitae), Labcorp); PubMed 23913538 (cited by Labcorp Genetics (formerly Invitae), Labcorp); PubMed 31066482 (cited by Labcorp Genetics (formerly Invitae), Labcorp).